The following is an entry in ClinVar:

NM_021242.6(MID1IP1):c.129G>C (p.Leu43=)

Gene: MID1IP1 (MID1 interacting protein 1; plus strand). Cytogenetic location: Xp11.4.
Variant type: single nucleotide variant.
Coding change: c.129G>C on transcript NM_021242.6 (MANE Select); coding-DNA position 129, G replaced by C.
Protein change: p.Leu43=; no amino-acid change (leucine 43 retained).
Molecular consequence: synonymous variant.
Genome position (GRCh38, 1-based): chrX:38,805,075, G>C. VCF-style: chrX-38805075-G-C. GRCh37 (hg19) VCF-style: chrX-38664328-G-C.
Other names: c.129G>C, p.Leu43= (NM_001098790.2, NM_001098791.2).
Identifiers: ClinVar variation 2660302 (VCV002660302.24), dbSNP rs777603388, ClinGen allele CA10386189.
Genomic context (GRCh38, chrX:38,805,075, plus strand): 5'-CGCCGTGAACAACATGGACCAGACGGTGATGGTGCCCAGCTTGCTGCGCGACGTGCCCCT[G>C]GCTGACCCCGGGTTAGACAACGATGTTGGCGTGGAGGTAGGCGGCAGTGGCGGCTGCCTG-3'
Protein context (NP_067065.1, residues 33-53): MVPSLLRDVP[Leu43=]ADPGLDNDVG

ClinVar aggregate classification (germline): Likely benign (1 of 4 stars; one submission).

Allele frequency attached by ClinVar (database versions not stated): gnomAD 0.00003; TOPMed 0.00003; gnomAD exomes 0.00004; ExAC 0.00006.

Submission:

CeGaT Center for Human Genetics Tuebingen
Classification: Likely benign. Last evaluated: 2022-07-01. Review status: criteria provided, single submitter. Criteria: CeGaT Center For Human Genetics Tuebingen Variant Classification Criteria Version 2. Collection method: clinical testing. Allele origin: germline. Affected: yes. Observed: 1 variant allele.
Comment: MID1IP1: BP4, BP7